The following is an entry in ClinVar:

NM_003072.5(SMARCA4):c.2410G>A (p.Gly804Arg)

Gene: SMARCA4 (SWI/SNF related BAF chromatin remodeling complex subunit ATPase 4; plus strand). Cytogenetic location: 19p13.2.
Variant type: single nucleotide variant.
Coding change: c.2410G>A on transcript NM_003072.5 (MANE Select); coding-DNA position 2410, G replaced by A.
Protein change: p.Gly804Arg; replaces glycine 804 with arginine.
Molecular consequence: missense variant. On other transcripts: non-coding transcript variant (1).
Genome position (GRCh38, 1-based): chr19:11,013,084, G>A. VCF-style: chr19-11013084-G-A. GRCh37 (hg19) VCF-style: chr19-11123760-G-A.
Other names: c.2410G>A, p.Gly804Arg (NM_001128844.3, NM_001128845.2, NM_001128846.2 and 6 more transcripts); short protein forms G804R.
Identifiers: ClinVar variation 4530276 (VCV004530276.1).

ClinVar aggregate classification (somatic clinical impact): Tier I - Strong (1 of 4 stars; one submission).

Conditions:
Medulloblastoma non-WNT/non-SHH group 3. Identifiers: MedGen C4330665, MONDO:0956966.

Submission:

Institute for Genomic Medicine (IGM) Clinical Laboratory, Nationwide Children's Hospital
Classification: Tier I - Strong for Medulloblastoma non-WNT/non-SHH group 3. Assertion type: diagnostic. Clinical significance: supports diagnosis. Last evaluated: 2024-11-22. Review status: criteria provided, single submitter. Criteria: AMP/ASCO/CAP Guidelines, 2017. Collection method: clinical testing. Allele origin: somatic. Affected: yes.
Comment: Variant has Tier I (strong) clinical significance as a diagnostic inclusion criterion in medulloblastoma non-WNT/non-SHH group 3, based on the following evidence: 1) Documented in one or more cancer databases (e.g., St. Jude Pecan, COSMIC, CIViC, OncoKB). 2) Appears in one or more well-established professional guidelines (e.g., World Health Organization [WHO]; National Comprehensive Cancer Network [NCCN]) as providing diagnostic, prognostic, or therapeutic information. 3) Diagnostic for a specific tumor type/classification based on well-powered studies with expert-level consensus (Evidence Level B; PMIDs: 21163964, 28726821, 22820256, 22832583, 22722829, 23432644).

Literature cited by the submitters: PubMed 21163964; PubMed 28726821; PubMed 22820256; PubMed 22832583; PubMed 22722829; PubMed 23432644.